The following is an entry in ClinVar:

NM_152703.5(SAMD9L):c.164T>C (p.Leu55Pro)

Gene: SAMD9L (sterile alpha motif domain containing 9 like; minus strand). Cytogenetic location: 7q21.2.
Variant type: single nucleotide variant.
Coding change: c.164T>C on transcript NM_152703.5 (MANE Select); coding-DNA position 164, T replaced by C.
Protein change: p.Leu55Pro; replaces leucine 55 with proline.
Molecular consequence: missense variant.
Genome position (GRCh38, 1-based): chr7:93,135,808, A>G on the plus strand (T>C on the coding strand, the complement: SAMD9L is on the minus strand). VCF-style: chr7-93135808-A-G. GRCh37 (hg19) VCF-style: chr7-92765121-A-G.
Other names: c.164T>C, p.Leu55Pro (NM_001303496.3, NM_001303497.3, NM_001303498.3 and 5 more transcripts); short protein forms L55P.
Identifiers: ClinVar variation 3342860 (VCV003342860.1).

ClinVar aggregate classification (germline): Uncertain significance (1 of 4 stars; one submission).

gnomAD v4.1: 1 of 1,614,070 alleles (0.000062%); highest among the groups gnomAD compares: Non-Finnish European, 0.000085%; no homozygotes.

Submission:

GeneDx
Classification: Uncertain significance. Last evaluated: 2023-10-25. Review status: criteria provided, single submitter. Criteria: GeneDx Variant Classification Process June 2021. Collection method: clinical testing. Allele origin: germline. Affected: yes.
Comment: Not observed at significant frequency in large population cohorts (gnomAD); In silico analysis supports that this missense variant has a deleterious effect on protein structure/function; Observed in an individual with acute lymphoblastic leukemia (PMID: 34308104); This variant is associated with the following publications: (PMID: 34308104)